The following is an entry in ClinVar:

ClinVar aggregate classification (germline): Likely pathogenic (1 of 4 stars; one submission).

Submission:

Labcorp Genetics (formerly Invitae), Labcorp
Classification: Likely pathogenic. Last evaluated: 2023-03-29. Review status: criteria provided, single submitter. Criteria: Invitae Variant Classification Sherloc (09022015). Collection method: clinical testing. Allele origin: germline.
Comment: This variant has not been reported in the literature in individuals affected with PCNT-related conditions. Algorithms developed to predict the effect of sequence changes on RNA splicing suggest that this variant may disrupt the consensus splice site. In summary, the currently available evidence indicates that the variant is pathogenic, but additional data are needed to prove that conclusively. Therefore, this variant has been classified as Likely Pathogenic. This variant results in the deletion of part of exon 16 (c.3295_3312+14del) of the PCNT gene. It is expected to disrupt RNA splicing. Variants that disrupt the donor or acceptor splice site typically lead to a loss of protein function (PMID: 16199547), and loss-of-function variants in PCNT are known to be pathogenic (PMID: 18174396, 22821869). This variant is not present in population databases (gnomAD no frequency).

Literature cited by the submitters: PubMed 16199547; PubMed 18174396; PubMed 22821869.

NM_006031.6(PCNT):c.3295_3312+14del

Gene: PCNT (pericentrin; plus strand). Cytogenetic location: 21q22.3.
Variant type: Deletion.
Coding change: c.3295_3312+14del on transcript NM_006031.6 (MANE Select); coding-DNA position 3295 through 14 bases into the intron after coding-DNA position 3312, 32 bases deleted.
Molecular consequence: splice donor variant.
Genome position (GRCh38, 1-based): chr21:46,381,823-46,381,854, 32 bases deleted; deleting any 32 consecutive bases within chr21:46,381,822-46,381,854 gives the same sequence; the c. name uses the placement nearest the transcript's 3' end. GRCh37 (hg19): chr21:47,801,738-47,801,769.
Other names: c.2941_2958+14del (NM_001315529.2).
Identifiers: ClinVar variation 2850839 (VCV002850839.3), dbSNP rs2518418801, ClinGen allele CA2739267763.